The following is an entry in ClinVar:

ClinVar aggregate classification (germline): Conflicting classifications of pathogenicity. Review status: criteria provided, conflicting classifications (1 of 4 stars). 3 submissions from 3 submitters: Uncertain significance (1); Likely benign (2). Last evaluated 2024-11-09.

Conditions:
Inborn genetic diseases. Identifiers: MedGen C0950123, MeSH D030342.
Intellectual developmental disorder, X-linked, syndromic, Hedera type. Also called: Syndromic X-linked intellectual disability Hedera type. Identifiers: Orphanet 93952, MedGen C1845543, MONDO:0010319, OMIM 300423.

Allele frequency attached by ClinVar (database versions not stated): TOPMed 0.00001; gnomAD exomes 0.00012; ExAC 0.00045.

Submissions (3):

Ambry Genetics
Classification: Likely benign for Inborn genetic diseases. Last evaluated: 2024-11-09. Review status: criteria provided, single submitter. Criteria: Ambry Variant Classification Scheme 2023. Collection method: clinical testing. Allele origin: germline.

Labcorp Genetics (formerly Invitae), Labcorp
Classification: Uncertain significance for Intellectual developmental disorder, X-linked, syndromic, Hedera type. Last evaluated: 2024-02-13. Review status: criteria provided, single submitter. Criteria: Invitae Variant Classification Sherloc (09022015). Collection method: clinical testing. Allele origin: germline.
Comment: This sequence change replaces leucine, which is neutral and non-polar, with phenylalanine, which is neutral and non-polar, at codon 7 of the ATP6AP2 protein (p.Leu7Phe). This variant is present in population databases (rs765852654, gnomAD 0.07%), and has an allele count higher than expected for a pathogenic variant. This variant has not been reported in the literature in individuals affected with ATP6AP2-related conditions. ClinVar contains an entry for this variant (Variation ID: 204914). Algorithms developed to predict the effect of missense changes on protein structure and function output the following: SIFT: "Not Available"; PolyPhen-2: "Benign"; Align-GVGD: "Not Available". The phenylalanine amino acid residue is found in multiple mammalian species, which suggests that this missense change does not adversely affect protein function. In summary, the available evidence is currently insufficient to determine the role of this variant in disease. Therefore, it has been classified as a Variant of Uncertain Significance.

GeneDx
Classification: Likely benign. Last evaluated: 2014-11-15. Review status: criteria provided, single submitter. Criteria: GeneDx Variant Classification (06012015). Collection method: clinical testing. Allele origin: germline. Affected: yes.
Comment: This variant is considered likely benign or benign based on one or more of the following criteria: it is a conservative change, it occurs at a poorly conserved position in the protein, it is predicted to be benign by multiple in silico algorithms, and/or has population frequency not consistent with disease.

NM_005765.3(ATP6AP2):c.19C>T (p.Leu7Phe)

Genes: ATP6AP2 (ATPase H+ transporting accessory protein 2; plus strand), LOC130068149 (ATAC-STARR-seq lymphoblastoid silent region 20763; plus strand). Cytogenetic location: Xp11.4.
Variant type: single nucleotide variant.
Coding change: c.19C>T on transcript NM_005765.3 (MANE Select); coding-DNA position 19, C replaced by T.
Protein change: p.Leu7Phe; replaces leucine 7 with phenylalanine.
Molecular consequence: missense variant.
Genome position (GRCh38, 1-based): chrX:40,581,084, C>T. VCF-style: chrX-40581084-C-T. GRCh37 (hg19) VCF-style: chrX-40440336-C-T.
Other names: p.L7F:CTC>TTC; short protein forms L7F.
Identifiers: ClinVar variation 204914 (VCV000204914.8), dbSNP rs765852654, ClinGen allele CA313357.
Genomic context (GRCh38, chrX:40,581,084, plus strand): 5'-CCGTTCCGTGTCGCCCCGCAGTGCTGCGGCCGCCGCGGCACCATGGCTGTGTTTGTCGTG[C>T]TCCTGGCGTTGGTGGCGGGTGAGGAGCCGGGGGCCGGCAGGACGTGCCTGGGGAGGTCCT-3'
Protein context (NP_005756.2, residues 1-17): MAVFVV[Leu7Phe]LALVAGVLGN